The following is an entry in ClinVar:

NM_000207.3(INS):c.188-10G>A

Genes: INS (insulin; minus strand), INS-IGF2 (INS-IGF2 readthrough; minus strand). Cytogenetic location: 11p15.5.
Variant type: single nucleotide variant.
Coding change: c.188-10G>A on transcript NM_000207.3 (MANE Select); 10 bases into the intron before coding-DNA position 188, G replaced by A.
Molecular consequence: intron variant.
Genome position (GRCh38, 1-based): chr11:2,160,007, C>T on the plus strand (G>A on the coding strand, the complement: INS is on the minus strand). VCF-style: chr11-2160007-C-T. GRCh37 (hg19) VCF-style: chr11-2181237-C-T.
Other names: c.187+778G>A (NM_001042376.3); c.188-10G>A (NM_001185097.2, NM_001291897.2, NM_001185098.2).
Identifiers: ClinVar variation 129279 (VCV000129279.24), dbSNP rs41275198, ClinGen allele CA231179.

ClinVar aggregate classification (germline): Benign/Likely benign. Review status: criteria provided, multiple submitters, no conflicts (2 of 4 stars). 8 submissions from 8 submitters: Benign (4); Likely benign (4). Last evaluated 2026-01-15.

Conditions:
Maturity-onset diabetes of the young type 10. Identifiers: Orphanet 552, MedGen C3150617, MONDO:0013240, OMIM 613370.
Neonatal insulin-dependent diabetes mellitus. Identifiers: MedGen C3278636, HP:0000857.
Type 1 diabetes mellitus 2. Identifiers: MedGen C1852092, MONDO:0007454, OMIM 125852.
Diabetes mellitus, permanent neonatal 4. Also called: INS-Related Permanent Neonatal Diabetes Mellitus. Identifiers: MedGen C5394307, MONDO:0030089, OMIM 618858.
Hyperproinsulinemia. Identifiers: MedGen C0342283, MONDO:0014535, OMIM 616214.

Allele frequency attached by ClinVar (database versions not stated): gnomAD exomes 0.00242 and 0.00372; ESP Exome Variant Server 0.00256; gnomAD 0.00260 and 0.00262; ExAC 0.00310; 1000 Genomes Project 0.00339; TOPMed 0.00358; 1000 Genomes Project 30x 0.00359.

Submissions (8):

Labcorp Genetics (formerly Invitae), Labcorp
Classification: Benign. Last evaluated: 2026-01-15. Review status: criteria provided, single submitter. Criteria: Invitae Variant Classification Sherloc (09022015). Collection method: clinical testing. Allele origin: germline.

ARUP Laboratories, Molecular Genetics and Genomics, ARUP Laboratories
Classification: Likely benign. Last evaluated: 2025-07-01. Review status: criteria provided, single submitter. Criteria: ARUP Molecular Germline Variant Investigation Process 2024. Collection method: clinical testing. Allele origin: germline.

Blueprint Genetics
Classification: Likely benign. Last evaluated: 2024-11-11. Review status: criteria provided, single submitter. Criteria: ACMG Guidelines, 2015. Collection method: clinical testing. Allele origin: germline.

Fulgent Genetics
Classification: Likely benign for Type 1 diabetes mellitus 2; Maturity-onset diabetes of the young type 10; Hyperproinsulinemia; Diabetes mellitus, permanent neonatal 4. Last evaluated: 2021-12-22. Review status: criteria provided, single submitter. Criteria: ACMG Guidelines, 2015. Collection method: clinical testing. Allele origin: unknown.

GeneDx
Classification: Benign. Last evaluated: 2019-11-21. Review status: criteria provided, single submitter. Criteria: GeneDx Variant Classification Process June 2021. Collection method: clinical testing. Allele origin: germline. Affected: yes.

Illumina Laboratory Services, Illumina
Classification: Benign for Maturity-onset diabetes of the young type 10. Last evaluated: 2018-01-13. Review status: criteria provided, single submitter. Criteria: ICSL Variant Classification Criteria 13 December 2019. Collection method: clinical testing. Allele origin: germline.
Comment: This variant was observed in the ICSL laboratory as part of a predisposition screen in an ostensibly healthy population. It had not been previously curated by ICSL or reported in the Human Gene Mutation Database (HGMD: prior to June 1st, 2018), and was therefore a candidate for classification through an automated scoring system. Utilizing variant allele frequency, disease prevalence and penetrance estimates, and inheritance mode, an automated score was calculated to assess if this variant is too frequent to cause the disease. Based on the score and internal cut-off values, a variant classified as benign is not then subjected to further curation. The score for this variant resulted in a classification of benign for this disease.

Genetic Services Laboratory, University of Chicago
Classification: Likely benign. Last evaluated: 2016-11-14. Review status: criteria provided, single submitter. Criteria: ACMG Guidelines, 2015. Collection method: clinical testing. Allele origin: germline. Affected: no.

Clinical Genomics, Uppaluri K&H Personalized Medicine Clinic
Classification: Benign for Neonatal insulin-dependent diabetes mellitus. Review status: criteria provided, single submitter. Criteria: K & H Uppaluri Personalized Medicine Clinic Variant Classification & Assertion Criteria_Updated V.1. Collection method: research. Allele origin: unknown.
Comment: Mutations in INS gene can cause early onset diabetes mellitus which is insulin dependent. May have poor response to sulfonylureas, as this mutation can cause beta cell destruction. However no sufficient evidence is found to ascertain the role of this particular variant rs41275198, yet.

Literature cited by the submitters: PubMed 11921414 (cited by Clinical Genomics, Uppaluri K&H Personalized Medicine Clinic); PubMed 25542748 (cited by Clinical Genomics, Uppaluri K&H Personalized Medicine Clinic); PubMed 26101329 (cited by Clinical Genomics, Uppaluri K&H Personalized Medicine Clinic); PubMed 18171712 (cited by Clinical Genomics, Uppaluri K&H Personalized Medicine Clinic).